The following is an entry in ClinVar:

ClinVar aggregate classification (germline): Likely benign (1 of 4 stars; one submission).

Submissions (2):

Center for Genomic Medicine, Rigshospitalet, Copenhagen University Hospital
Classification: Likely benign. Last evaluated: 2025-03-04. Review status: criteria provided, single submitter. Criteria: ACMG Guidelines, 2015. Collection method: clinical testing. Allele origin: germline.
Comment: Classification criteria: BS3, BP4, BP7

Brotman Baty Institute, University of Washington
No classification provided (evidence only). Condition: Breast-ovarian cancer, familial 1. Review status: no classification provided. Collection method: in vitro. Allele origin: not applicable. Functional consequence: functionally_normal. Not counted in ClinVar's aggregate classification.
ClinVar note: "not provided" was previously submitted as the classification for the variant. However, the classification appeared to be based only on an observation of functional data so it was converted to no classification on 2025-07-30.

NM_007294.4(BRCA1):c.81-23T>C

Gene: BRCA1 (BRCA1 DNA repair associated; minus strand). Cytogenetic location: 17q21.31.
Variant type: single nucleotide variant.
Coding change: c.81-23T>C on transcript NM_007294.4 (MANE Select); 23 bases into the intron before coding-DNA position 81, T replaced by C.
Molecular consequence: intron variant.
Genome position (GRCh38, 1-based): chr17:43,115,802, A>G on the plus strand (T>C on the coding strand, the complement: BRCA1 is on the minus strand). VCF-style: chr17-43115802-A-G. GRCh37 (hg19) VCF-style: chr17-41267819-A-G.
Other names: c.-61-23T>C (NM_001407846.1, NM_001408503.1, NM_001407943.1 and 47 more transcripts); c.-8+5756T>C (NM_001407726.1, NM_001407751.1); c.-108-23T>C (NM_001408513.1, NM_001407899.1, NM_001408507.1 and 52 more transcripts); c.81-23T>C (NM_001407973.1, NM_001407596.1, NM_001408495.1 and 191 more transcripts); c.-219+9469T>C (NM_001407966.1); c.-170+9469T>C (NM_001407963.1); c.-7-9269T>C (NM_001408511.1, NM_001408457.1, NM_001407692.1 and 2 more transcripts); c.-223-23T>C (NM_001407960.1, NM_001407962.1, NM_001408512.1 and 1 more transcripts); and 10 more.
Identifiers: ClinVar variation 867436 (VCV000867436.4), dbSNP rs1287290908, ClinGen allele CA626084965.